The following is an entry in ClinVar:

NM_004360.5(CDH1):c.2201G>T (p.Arg734Ile)

Gene: CDH1 (cadherin 1; plus strand). Cytogenetic location: 16q22.1.
Variant type: single nucleotide variant.
Coding change: c.2201G>T on transcript NM_004360.5 (MANE Select); coding-DNA position 2201, G replaced by T.
Protein change: p.Arg734Ile; replaces arginine 734 with isoleucine.
Molecular consequence: missense variant.
Genome position (GRCh38, 1-based): chr16:68,828,210, G>T. VCF-style: chr16-68828210-G-T. GRCh37 (hg19) VCF-style: chr16-68862113-G-T.
Other names: c.2201G>T (LRG_301t1); c.2018G>T, p.Arg673Ile (NM_001317184.2); c.653G>T, p.Arg218Ile (NM_001317185.2); c.236G>T, p.Arg79Ile (NM_001317186.2); short protein forms R734I, R218I, R673I, R79I.
Identifiers: ClinVar variation 141587 (VCV000141587.13), dbSNP rs587781859, ClinGen allele CA165868.
Genomic context (GRCh38, chr16:68,828,210, plus strand): 5'-GCTCTGTCTCCCCCACCATCCCAGTTCTGATTCTGCTGCTCTTGCTGTTTCTTCGGAGGA[G>T]AGCGGTGGTCAAAGAGCCCTTACTGCCCCCAGAGGATGACACCCGGGACAACGTTTATTA-3'
Protein context (NP_004351.1, residues 724-744): ILLLLLFLRR[Arg734Ile]AVVKEPLLPP

ClinVar aggregate classification (germline): Uncertain significance. Review status: criteria provided, multiple submitters, no conflicts (2 of 4 stars). 2 submissions from 2 submitters: Uncertain significance (2). Last evaluated 2025-03-02.

Conditions:
Hereditary cancer-predisposing syndrome. Also called: Neoplastic Syndromes, Hereditary; Hereditary Cancer Syndrome; Hereditary neoplastic syndrome; Tumor predisposition. Identifiers: Orphanet 140162, MedGen C0027672, MeSH D009386, MONDO:0015356.
Hereditary diffuse gastric adenocarcinoma (HDGC). Also called: DIFFUSE GASTRIC AND LOBULAR BREAST CANCER SYNDROME. Identifiers: Orphanet 26106, MedGen C1708349, MONDO:0007648, OMIM 137215.

Submissions (2):

Labcorp Genetics (formerly Invitae), Labcorp
Classification: Uncertain significance for Hereditary diffuse gastric adenocarcinoma. Last evaluated: 2025-03-02. Review status: criteria provided, single submitter. Criteria: Invitae Variant Classification Sherloc (09022015). Collection method: clinical testing. Allele origin: germline.
Comment: This sequence change replaces arginine, which is basic and polar, with isoleucine, which is neutral and non-polar, at codon 734 of the CDH1 protein (p.Arg734Ile). This variant is not present in population databases (gnomAD no frequency). This variant has not been reported in the literature in individuals affected with CDH1-related conditions. ClinVar contains an entry for this variant (Variation ID: 141587). An algorithm developed to predict the effect of missense changes on protein structure and function (PolyPhen-2) suggests that this variant is likely to be disruptive. Studies have shown that this missense change is associated with inconclusive levels of altered splicing (internal data). In summary, the available evidence is currently insufficient to determine the role of this variant in disease. Therefore, it has been classified as a Variant of Uncertain Significance.

Ambry Genetics
Classification: Uncertain significance for Hereditary cancer-predisposing syndrome. Last evaluated: 2024-01-08. Review status: criteria provided, single submitter. Criteria: Ambry Variant Classification Scheme 2023. Collection method: clinical testing. Allele origin: germline.
Comment: The p.R734I variant (also known as c.2201G>T), located in coding exon 14 of the CDH1 gene, results from a G to T substitution at nucleotide position 2201. The arginine at codon 734 is replaced by isoleucine, an amino acid with similar properties. This amino acid position is well conserved in available vertebrate species. In addition, this alteration is predicted to be tolerated by in silico analysis. Since supporting evidence is limited at this time, the clinical significance of this alteration remains unclear.